The following is an entry in ClinVar:

ClinVar aggregate classification (germline): Uncertain significance. Review status: criteria provided, multiple submitters, no conflicts (2 of 4 stars). 2 submissions from 2 submitters: Uncertain significance (2). Last evaluated 2025-12-09.

Conditions:
Long QT syndrome (LQTS). Identifiers: MedGen C0023976, MeSH D008133, MONDO:0002442. Disease mechanism: loss of function. Inheritance: Various modes of inheritance.

Allele frequency attached by ClinVar (database versions not stated): TOPMed below 0.00001; gnomAD 0.00001.
gnomAD v4.1: 2 of 1,579,132 alleles (0.00013%); highest among the groups gnomAD compares: African/African-American, 0.0014%; no homozygotes.

Submissions (2):

Labcorp Genetics (formerly Invitae), Labcorp
Classification: Uncertain significance for Long QT syndrome. Last evaluated: 2025-12-09. Review status: criteria provided, single submitter. Criteria: Invitae Variant Classification Sherloc (09022015). Collection method: clinical testing. Allele origin: germline.
Comment: This sequence change replaces aspartic acid, which is acidic and polar, with histidine, which is basic and polar, at codon 78 of the KCNQ1 protein (p.Asp78His). This variant is not present in population databases (gnomAD no frequency). This variant has not been reported in the literature in individuals affected with KCNQ1-related conditions. ClinVar contains an entry for this variant (Variation ID: 1060673). Invitae Evidence Modeling of protein sequence and biophysical properties (such as structural, functional, and spatial information, amino acid conservation, physicochemical variation, residue mobility, and thermodynamic stability) has been performed for this missense variant. However, the output from this modeling did not meet the statistical confidence thresholds required to predict the impact of this variant on KCNQ1 protein function. In summary, the available evidence is currently insufficient to determine the role of this variant in disease. Therefore, it has been classified as a Variant of Uncertain Significance.

GeneDx
Classification: Uncertain significance. Last evaluated: 2025-06-13. Review status: criteria provided, single submitter. Criteria: GeneDx Variant Classification Process June 2021. Collection method: clinical testing. Allele origin: germline. Affected: yes.
Comment: Not observed at significant frequency in large population cohorts (gnomAD); In silico analysis suggests that this missense variant does not alter protein structure/function; Has not been previously published as pathogenic or benign to our knowledge

NM_000218.3(KCNQ1):c.232G>C (p.Asp78His)

Gene: KCNQ1 (potassium voltage-gated channel subfamily Q member 1; plus strand). Cytogenetic location: 11p15.5.
Variant type: single nucleotide variant.
Coding change: c.232G>C on transcript NM_000218.3 (MANE Select); coding-DNA position 232, G replaced by C.
Protein change: p.Asp78His; replaces aspartic acid 78 with histidine.
Molecular consequence: missense variant.
Genome position (GRCh38, 1-based): chr11:2,445,330, G>C. VCF-style: chr11-2445330-G-C. GRCh37 (hg19) VCF-style: chr11-2466560-G-C.
Other names: c.232G>C (NM_000218.2); short protein forms D78H.
Identifiers: ClinVar variation 1060673 (VCV001060673.10), dbSNP rs1846020954, ClinGen allele CA379116850.